The following is an entry in ClinVar:

NM_000256.3(MYBPC3):c.2905+35A>G

Gene: MYBPC3 (myosin binding protein C3; minus strand). Cytogenetic location: 11p11.2.
Variant type: single nucleotide variant.
Coding change: c.2905+35A>G on transcript NM_000256.3 (MANE Select); 35 bases into the intron after coding-DNA position 2905, A replaced by G.
Molecular consequence: intron variant.
Genome position (GRCh38, 1-based): chr11:47,335,007, T>C on the plus strand (A>G on the coding strand, the complement: MYBPC3 is on the minus strand). VCF-style: chr11-47335007-T-C. GRCh37 (hg19) VCF-style: chr11-47356558-T-C.
Identifiers: ClinVar variation 1175022 (VCV001175022.11), dbSNP rs11570107, ClinGen allele CA079013.

ClinVar aggregate classification (germline): Benign/Likely benign. Review status: criteria provided, multiple submitters, no conflicts (2 of 4 stars). 4 submissions from 4 submitters: Benign (1); Likely benign (1). 2 of the submissions do not count toward it. Last evaluated 2026-09-01.

Allele frequency attached by ClinVar (database versions not stated): 1000 Genomes Project 0.00100; 1000 Genomes Project 30x 0.00125; gnomAD 0.00164 and 0.00175; ESP Exome Variant Server 0.00173; TOPMed 0.00198; gnomAD exomes 0.00230 and 0.00268; ExAC 0.00294.
gnomAD v4.1: 3,685 of 1,446,258 alleles (0.25%); highest among the groups gnomAD compares: Non-Finnish European, 0.3%; 16 homozygotes.

Submissions (4):

CeGaT Center for Human Genetics Tuebingen
Classification: Likely benign. Last evaluated: 2026-09-01. Review status: criteria provided, single submitter. Criteria: CeGaT Center For Human Genetics Tuebingen Variant Classification Criteria Version 2. Collection method: clinical testing. Allele origin: germline. Affected: yes. Observed: 5 variant alleles.
Comment: MYBPC3: BS2

ARUP Laboratories, Molecular Genetics and Genomics, ARUP Laboratories
Classification: Benign. Last evaluated: 2025-03-28. Review status: criteria provided, single submitter. Criteria: ARUP Molecular Germline Variant Investigation Process 2024. Collection method: clinical testing. Allele origin: germline.

Diagnostic Laboratory, Department of Genetics, University Medical Center Groningen
Classification: Likely benign. Review status: no assertion criteria provided. Collection method: clinical testing. Allele origin: germline. Affected: yes. Study: VKGL Data-share Consensus. Not counted in ClinVar's aggregate classification.

Joint Genome Diagnostic Labs from Nijmegen and Maastricht, Radboudumc and MUMC+
Classification: Benign. Review status: no assertion criteria provided. Collection method: clinical testing. Allele origin: germline. Affected: yes. Study: VKGL Data-share Consensus. Not counted in ClinVar's aggregate classification.